The following is an entry in ClinVar:

ClinVar aggregate classification (germline): Uncertain significance (1 of 4 stars; one submission).

Allele frequency attached by ClinVar (database versions not stated): gnomAD 0.00001; TOPMed 0.00001; gnomAD exomes 0.00004.
gnomAD v4.1: 58 of 1,613,402 alleles (0.0036%); highest among the groups gnomAD compares: Non-Finnish European, 0.0047%; no homozygotes.

Submission:

Labcorp Genetics (formerly Invitae), Labcorp
Classification: Uncertain significance. Last evaluated: 2025-01-26. Review status: criteria provided, single submitter. Criteria: Invitae Variant Classification Sherloc (09022015). Collection method: clinical testing. Allele origin: germline.
Comment: This sequence change falls in intron 30 of the C3 gene. It does not directly change the encoded amino acid sequence of the C3 protein. It affects a nucleotide within the consensus splice site. This variant is present in population databases (no rsID available, gnomAD 0.003%). This variant has not been reported in the literature in individuals affected with C3-related conditions. ClinVar contains an entry for this variant (Variation ID: 1947366). Variants that disrupt the consensus splice site are a relatively common cause of aberrant splicing (PMID: 17576681, 9536098). Algorithms developed to predict the effect of sequence changes on RNA splicing suggest that this variant is not likely to affect RNA splicing. In summary, the available evidence is currently insufficient to determine the role of this variant in disease. Therefore, it has been classified as a Variant of Uncertain Significance.

Literature cited by the submitters: PubMed 17576681; PubMed 9536098.

NM_000064.4(C3):c.3969+4C>T

Gene: C3 (complement C3; minus strand). Cytogenetic location: 19p13.3.
Variant type: single nucleotide variant.
Coding change: c.3969+4C>T on transcript NM_000064.4 (MANE Select); 4 bases into the intron after coding-DNA position 3969, C replaced by T.
Molecular consequence: intron variant.
Genome position (GRCh38, 1-based): chr19:6,684,984, G>A on the plus strand (C>T on the coding strand, the complement: C3 is on the minus strand). VCF-style: chr19-6684984-G-A. GRCh37 (hg19) VCF-style: chr19-6684995-G-A.
Identifiers: ClinVar variation 1947366 (VCV001947366.5), dbSNP rs1418927630, ClinGen allele CA631722222.